The following is an entry in ClinVar:

ClinVar aggregate classification (germline): Benign (0 of 4 stars; one submission).

Conditions:
USP44-related disorder. Also called: USP44-related condition.

Allele frequency attached by ClinVar (database versions not stated): ESP Exome Variant Server 0.00023; gnomAD exomes 0.00031; 1000 Genomes Project 0.00040; gnomAD 0.00040; 1000 Genomes Project 30x 0.00047; TOPMed 0.00048; ExAC 0.00063.

Submission:

PreventionGenetics, part of Exact Sciences
Classification: Benign for USP44-related condition. Last evaluated: 2019-08-28. Review status: no assertion criteria provided. Collection method: clinical testing. Allele origin: germline.
Comment: This variant is classified as benign based on ACMG/AMP sequence variant interpretation guidelines (Richards et al. 2015 PMID: 25741868, with internal and published modifications).

NM_032147.5(USP44):c.106G>A (p.Glu36Lys)

Gene: USP44 (ubiquitin specific peptidase 44; minus strand). Cytogenetic location: 12q22.
Variant type: single nucleotide variant.
Coding change: c.106G>A on transcript NM_032147.5 (MANE Select); coding-DNA position 106, G replaced by A.
Protein change: p.Glu36Lys; replaces glutamic acid 36 with lysine.
Molecular consequence: missense variant. On other transcripts: non-coding transcript variant (6).
Genome position (GRCh38, 1-based): chr12:95,534,151, C>T on the plus strand (G>A on the coding strand, the complement: USP44 is on the minus strand). VCF-style: chr12-95534151-C-T. GRCh37 (hg19) VCF-style: chr12-95927927-C-T.
Other names: c.106G>A, p.Glu36Lys (NM_001042403.3, NM_001278393.2, NM_001347936.2 and 1 more transcripts); short protein forms E36K.
Identifiers: ClinVar variation 3053730 (VCV003053730.2), dbSNP rs147287763, ClinGen allele CA6725710.